The following is an entry in ClinVar:

ClinVar aggregate classification (germline): Likely benign. Review status: criteria provided, multiple submitters, no conflicts (2 of 4 stars). 2 submissions from 2 submitters: Likely benign (2). Last evaluated 2018-06-19.

Allele frequency attached by ClinVar (database versions not stated): gnomAD exomes 0.00071; gnomAD 0.00649 and 0.00699; TOPMed 0.00718; 1000 Genomes Project 0.00859; 1000 Genomes Project 30x 0.00921.
gnomAD v4.1: 1,819 of 1,273,904 alleles (0.14%); highest among the groups gnomAD compares: African/African-American, 2.2%; 19 homozygotes.

Submissions (2):

GeneDx
Classification: Likely benign. Last evaluated: 2018-06-19. Review status: criteria provided, single submitter. Criteria: GeneDx Variant Classification (06012015). Collection method: clinical testing. Allele origin: germline. Affected: yes.
Comment: This variant is considered likely benign or benign based on one or more of the following criteria: it is a conservative change, it occurs at a poorly conserved position in the protein, it is predicted to be benign by multiple in silico algorithms, and/or has population frequency not consistent with disease.

Breakthrough Genomics
Classification: Likely benign. Review status: criteria provided, single submitter. Criteria: ACMG Guidelines, 2015. Collection method: not provided. Allele origin: germline. Inheritance: Autosomal dominant inheritance. Affected: yes.

NM_001105206.3(LAMA4):c.3110+116A>C

Gene: LAMA4 (laminin subunit alpha 4; minus strand). Cytogenetic location: 6q21.
Variant type: single nucleotide variant.
Coding change: c.3110+116A>C on transcript NM_001105206.3 (MANE Select); 116 bases into the intron after coding-DNA position 3110, A replaced by C.
Molecular consequence: intron variant.
Genome position (GRCh38, 1-based): chr6:112,139,636, T>G on the plus strand (A>C on the coding strand, the complement: LAMA4 is on the minus strand). VCF-style: chr6-112139636-T-G. GRCh37 (hg19) VCF-style: chr6-112460838-T-G.
Other names: c.3089+116A>C (NM_002290.5, NM_001105207.3).
Identifiers: ClinVar variation 676368 (VCV000676368.2), dbSNP rs75307860, ClinGen allele CA144893798.